The following is an entry in ClinVar:

ClinVar aggregate classification (germline): Uncertain significance. Review status: criteria provided, multiple submitters, no conflicts (2 of 4 stars). 2 submissions from 2 submitters: Uncertain significance (2). Last evaluated 2026-05-03.

Conditions:
EGFR-related lung cancer (EGFR). Identifiers: MedGen CN130014.
Hereditary cancer-predisposing syndrome. Also called: Hereditary Cancer Syndrome; Neoplastic Syndromes, Hereditary; Tumor predisposition; Hereditary neoplastic syndrome. Identifiers: Orphanet 140162, MedGen C0027672, MeSH D009386, MONDO:0015356.

gnomAD v4.1: 1 of 1,613,880 alleles (0.000062%); highest among the groups gnomAD compares: Non-Finnish European, 0.000085%; no homozygotes.

Submissions (2):

Ambry Genetics
Classification: Uncertain significance for Hereditary cancer-predisposing syndrome. Last evaluated: 2026-05-03. Review status: criteria provided, single submitter. Criteria: Ambry Variant Classification Scheme 2023. Collection method: clinical testing. Allele origin: germline.
Comment: The p.S1130G variant (also known as c.3388A>G), located in coding exon 28 of the EGFR gene, results from an A to G substitution at nucleotide position 3388. The serine at codon 1130 is replaced by glycine, an amino acid with similar properties. This amino acid position is conserved. In addition, this alteration is predicted to be tolerated by in silico analysis. Based on the available evidence, the clinical significance of this variant remains unclear.

Labcorp Genetics (formerly Invitae), Labcorp
Classification: Uncertain significance for EGFR-related lung cancer. Last evaluated: 2026-01-28. Review status: criteria provided, single submitter. Criteria: Invitae Variant Classification Sherloc (09022015). Collection method: clinical testing. Allele origin: germline.
Comment: This sequence change replaces serine, which is neutral and polar, with glycine, which is neutral and non-polar, at codon 1130 of the EGFR protein (p.Ser1130Gly). This variant is not present in population databases (gnomAD no frequency). This variant has not been reported in the literature in individuals affected with EGFR-related conditions. ClinVar contains an entry for this variant (Variation ID: 962364). An algorithm developed to predict the effect of missense changes on protein structure and function (PolyPhen-2) suggests that this variant is likely to be tolerated. In summary, the available evidence is currently insufficient to determine the role of this variant in disease. Therefore, it has been classified as a Variant of Uncertain Significance.

NM_005228.5(EGFR):c.3388A>G (p.Ser1130Gly)

Gene: EGFR (epidermal growth factor receptor; plus strand). Cytogenetic location: 7p11.2.
Variant type: single nucleotide variant.
Coding change: c.3388A>G on transcript NM_005228.5 (MANE Select); coding-DNA position 3388, A replaced by G.
Protein change: p.Ser1130Gly; replaces serine 1130 with glycine.
Molecular consequence: missense variant.
Genome position (GRCh38, 1-based): chr7:55,205,372, A>G. VCF-style: chr7-55205372-A-G. GRCh37 (hg19) VCF-style: chr7-55273065-A-G.
Other names: c.3253A>G, p.Ser1085Gly (NM_001346899.2); c.3229A>G, p.Ser1077Gly (NM_001346900.2); c.2587A>G, p.Ser863Gly (NM_001346941.2); short protein forms S1085G, S1077G, S1130G, S863G.
Identifiers: ClinVar variation 962364 (VCV000962364.10), dbSNP rs1788067620, ClinGen allele CA367584511.
Genomic context (GRCh38, chr7:55,205,372, plus strand): 5'-TATCACAATCAGCCTCTGAACCCCGCGCCCAGCAGAGACCCACACTACCAGGACCCCCAC[A>G]GCACTGCAGTGGGCAACCCCGAGTATCTCAACACTGTCCAGCCCACCTGTGTCAACAGCA-3'
Protein context (NP_005219.2, residues 1120-1140): SRDPHYQDPH[Ser1130Gly]TAVGNPEYLN